The following is an entry in ClinVar:

ClinVar aggregate classification (germline): Uncertain significance (1 of 4 stars; one submission).

Conditions:
Noonan syndrome 9 (NS9). Identifiers: Orphanet 648, MedGen C4225282, MONDO:0014691, OMIM 616559.

Submission:

Labcorp Genetics (formerly Invitae), Labcorp
Classification: Uncertain significance for Noonan syndrome 9. Last evaluated: 2024-08-01. Review status: criteria provided, single submitter. Criteria: Invitae Variant Classification Sherloc (09022015). Collection method: clinical testing. Allele origin: germline.
Comment: This sequence change creates a premature translational stop signal (p.Lys330*) in the SOS2 gene. It is expected to result in an absent or disrupted protein product. However, the current clinical and genetic evidence is not sufficient to establish whether loss-of-function variants in SOS2 cause disease. This variant is not present in population databases (gnomAD no frequency). This variant has not been reported in the literature in individuals affected with SOS2-related conditions. Experimental studies and prediction algorithms are not available or were not evaluated, and the functional significance of this variant is currently unknown. In summary, the available evidence is currently insufficient to determine the role of this variant in disease. Therefore, it has been classified as a Variant of Uncertain Significance.

NM_006939.4(SOS2):c.988A>T (p.Lys330Ter)

Gene: SOS2 (SOS Ras/Rho guanine nucleotide exchange factor 2; minus strand). Cytogenetic location: 14q21.3.
Variant type: single nucleotide variant.
Coding change: c.988A>T on transcript NM_006939.4 (MANE Select); coding-DNA position 988, A replaced by T.
Protein change: p.Lys330Ter; replaces lysine 330 with a stop codon.
Molecular consequence: nonsense. On other transcripts: intron variant (1).
Genome position (GRCh38, 1-based): chr14:50,174,534, T>A on the plus strand (A>T on the coding strand, the complement: SOS2 is on the minus strand). VCF-style: chr14-50174534-T-A. GRCh37 (hg19) VCF-style: chr14-50641252-T-A.
Other names: c.969+6038A>T (NM_001411020.1); short protein forms K330*.
Identifiers: ClinVar variation 3661202 (VCV003661202.2).